The following is an entry in ClinVar:

ClinVar aggregate classification (germline): Uncertain significance (1 of 4 stars; one submission).

Conditions:
Developmental and epileptic encephalopathy, 30 (DEE30). Also called: Epileptic encephalopathy, early infantile, 30. Identifiers: MedGen C4225360, MONDO:0014595, OMIM 616341.

Submission:

Labcorp Genetics (formerly Invitae), Labcorp
Classification: Uncertain significance for Developmental and epileptic encephalopathy, 30. Last evaluated: 2026-01-01. Review status: criteria provided, single submitter. Criteria: Invitae Variant Classification Sherloc (09022015). Collection method: clinical testing. Allele origin: germline.
Comment: This sequence change creates a premature translational stop signal (p.Ala725Glyfs*33) in the SIK1 gene. While this is not anticipated to result in nonsense mediated decay, it is expected to disrupt the last 59 amino acid(s) of the SIK1 protein. This variant is not present in population databases (gnomAD no frequency). This variant has not been reported in the literature in individuals affected with SIK1-related conditions. Experimental studies and prediction algorithms are not available or were not evaluated, and the functional significance of this variant is currently unknown. In summary, the available evidence is currently insufficient to determine the role of this variant in disease. Therefore, it has been classified as a Variant of Uncertain Significance.

NM_173354.5(SIK1):c.2173dup (p.Ala725fs)

Gene: SIK1 (salt inducible kinase 1; minus strand). Cytogenetic location: 21q22.3.
Variant type: Duplication.
Coding change: c.2173dup on transcript NM_173354.5 (MANE Select); coding-DNA position 2173, one base duplicated (G; older notation c.2173dupG).
Protein change: p.Ala725fs; shifts the reading frame from alanine 725.
Molecular consequence: frameshift variant.
Genome position (GRCh38, 1-based): chr21:43,416,921, C duplicated on the plus strand (G on the coding strand, the reverse complement: SIK1 is on the minus strand); the first of 2 consecutive C bases (chr21:43,416,921-43,416,922); duplicating either gives the same sequence. VCF-style (leftmost placement, unchanged base first): chr21-43416920-G-GC. GRCh37 (hg19) VCF-style: chr21-44836800-G-GC.
Other names: short protein forms A725fs.
Identifiers: ClinVar variation 4734568 (VCV004734568.1).
Genomic context (GRCh38, chr21:43,416,920, plus strand): 5'-GGCACAGCGGGGAGGGCGGTGGGGCCGGTGCCAATGTGCAGGTGTGTGTCCAGGAGCTGC[G>GC]CCGCTGAGGCCACCGGGGACGCGCCGGTCTGCAGGAGTGGGGGCGGCAGCAGCGGGAGCC-3'